The following is an entry in ClinVar:

ClinVar aggregate classification (germline): Uncertain significance (1 of 4 stars; one submission).

Submission:

Labcorp Genetics (formerly Invitae), Labcorp
Classification: Uncertain significance. Last evaluated: 2025-08-08. Review status: criteria provided, single submitter. Criteria: Invitae Variant Classification Sherloc (09022015). Collection method: clinical testing. Allele origin: germline.
Comment: This variant, c.117_122dup, results in the insertion of 2 amino acid(s) of the ATP6AP1 protein (p.Ala40_Ala41dup), but otherwise preserves the integrity of the reading frame. This variant is present in population databases (no rsID available, gnomAD 0.005%). This variant has not been reported in the literature in individuals affected with ATP6AP1-related conditions. ClinVar contains an entry for this variant (Variation ID: 1384158). Experimental studies and prediction algorithms are not available or were not evaluated, and the functional significance of this variant is currently unknown. In summary, the available evidence is currently insufficient to determine the role of this variant in disease. Therefore, it has been classified as a Variant of Uncertain Significance.

NM_001183.6(ATP6AP1):c.117_122dup (p.Ala40_Ala41dup)

Gene: ATP6AP1 (ATPase H+ transporting accessory protein 1; plus strand). Cytogenetic location: Xq28.
Variant type: Duplication.
Coding change: c.117_122dup on transcript NM_001183.6 (MANE Select); coding-DNA positions 117 to 122, 6 bases duplicated (AGCGGC; older notation c.117_122dupAGCGGC).
Protein change: p.Ala40_Ala41dup.
Molecular consequence: inframe insertion.
Genome position (GRCh38, 1-based): chrX:154,428,809-154,428,814, AGCGGC duplicated; duplicating any 6 consecutive bases within chrX:154,428,804-154,428,814 gives the same sequence; the c. name uses the placement nearest the transcript's 3' end. VCF-style (leftmost placement, unchanged base first): chrX-154428803-G-GGCGGCA. GRCh37 (hg19) VCF-style: chrX-153657149-G-GGCGGCA.
Identifiers: ClinVar variation 1384158 (VCV001384158.8), dbSNP rs1569553181, ClinGen allele CA645291021.